The following is an entry in ClinVar:

ClinVar aggregate classification (germline): Likely benign (0 of 4 stars; one submission).

Conditions:
HPCA-related disorder. Also called: HPCA-related condition.

Allele frequency attached by ClinVar (database versions not stated): ExAC 0.00008; ESP Exome Variant Server 0.00008.

Submission:

PreventionGenetics, part of Exact Sciences
Classification: Likely benign for HPCA-related condition. Last evaluated: 2019-08-13. Review status: no assertion criteria provided. Collection method: clinical testing. Allele origin: germline.
Comment: This variant is classified as likely benign based on ACMG/AMP sequence variant interpretation guidelines (Richards et al. 2015 PMID: 25741868, with internal and published modifications).

NM_002143.3(HPCA):c.282C>T (p.Arg94=)

Gene: HPCA (hippocalcin; plus strand). Cytogenetic location: 1p35.1.
Variant type: single nucleotide variant.
Coding change: c.282C>T on transcript NM_002143.3 (MANE Select); coding-DNA position 282, C replaced by T.
Protein change: p.Arg94=; no amino-acid change (arginine 94 retained).
Molecular consequence: synonymous variant.
Genome position (GRCh38, 1-based): chr1:32,889,180, C>T. VCF-style: chr1-32889180-C-T. GRCh37 (hg19) VCF-style: chr1-33354781-C-T.
Identifiers: ClinVar variation 3034580 (VCV003034580.2), dbSNP rs376799106, ClinGen allele CA745885.